The following is an entry in ClinVar:

ClinVar aggregate classification (germline): Benign/Likely benign. Review status: criteria provided, multiple submitters, no conflicts (2 of 4 stars). 8 submissions from 8 submitters: Benign (5); Likely benign (3). Last evaluated 2026-02-01.

Conditions:
Meniere disease. Also called: Ménière's disease. Identifiers: MedGen C0025281, MONDO:0007972, OMIM 156000.

Allele frequency attached by ClinVar (database versions not stated): 1000 Genomes Project 30x 0.00609; 1000 Genomes Project 0.00639; ExAC 0.00979; gnomAD exomes 0.01489 and 0.01885; TOPMed 0.01523; gnomAD 0.01716.
gnomAD v4.1: 28,514 of 1,550,656 alleles (1.8%); highest among the groups gnomAD compares: Non-Finnish European, 2.1%; 328 homozygotes.

Submissions (8):

Labcorp Genetics (formerly Invitae), Labcorp
Classification: Benign. Last evaluated: 2026-02-01. Review status: criteria provided, single submitter. Criteria: Invitae Variant Classification Sherloc (09022015). Collection method: clinical testing. Allele origin: germline.

Blueprint Genetics
Classification: Likely benign. Last evaluated: 2024-11-27. Review status: criteria provided, single submitter. Criteria: ACMG Guidelines, 2015. Collection method: clinical testing. Allele origin: germline.

Mayo Clinic Laboratories, Mayo Clinic
Classification: Benign. Last evaluated: 2021-08-11. Review status: criteria provided, single submitter. Criteria: ACMG Guidelines, 2015. Collection method: clinical testing. Allele origin: germline. Observed: 5 variant alleles.

Otology & Neurotology- Genomics of vestibular disorders (CTS-495), Jose Antonio López Escámez, Centro Pfizer - Universidad de Granada - Junta de Andalucía de Genómica e Investigación Oncológica (GENYO)
Classification: Likely benign for Meniere disease. Last evaluated: 2020-01-01. Review status: criteria provided, single submitter. Criteria: ACMG Guidelines, 2015. Collection method: case-control. Allele origin: germline. Affected: yes. Observed: 8 variant alleles, 8 heterozygotes. Clinical features observed: Sensorineural hearing loss (HP:0000407), Vertigo (HP:0002321), Tinnitus (HP:0000360).

Athena Diagnostics
Classification: Benign. Last evaluated: 2019-03-15. Review status: criteria provided, single submitter. Criteria: Athena Diagnostics Criteria. Collection method: clinical testing. Allele origin: germline.

GeneDx
Classification: Benign. Last evaluated: 2018-07-02. Review status: criteria provided, single submitter. Criteria: GeneDx Variant Classification Process June 2021. Collection method: clinical testing. Allele origin: germline. Affected: yes.

Laboratory for Molecular Medicine, Mass General Brigham Personalized Medicine
Classification: Benign. Last evaluated: 2014-11-24. Review status: criteria provided, single submitter. Criteria: LMM Criteria. Collection method: clinical testing. Allele origin: germline. Observed: 31 variant alleles.
Comment: Lys2842Asn in exon 54 of OTOG: This variant is not expected to have clinical sig nificance because it has been identified in 3.8% (7/186) of Finnish chromosomes from a broad population by the 1000 Genomes Project (/projects/SNP; dbSNP rs61997203).

Breakthrough Genomics
Classification: Likely benign. Review status: criteria provided, single submitter. Criteria: ACMG Guidelines, 2015. Collection method: not provided. Allele origin: germline. Inheritance: Autosomal recessive inheritance. Affected: yes.

NM_001292063.2(OTOG):c.8490G>C (p.Lys2830Asn)

Gene: OTOG (otogelin; plus strand). Cytogenetic location: 11p15.1.
Variant type: single nucleotide variant.
Coding change: c.8490G>C on transcript NM_001292063.2 (MANE Select); coding-DNA position 8490, G replaced by C.
Protein change: p.Lys2830Asn; replaces lysine 2830 with asparagine.
Molecular consequence: missense variant.
Genome position (GRCh38, 1-based): chr11:17,645,592, G>C. VCF-style: chr11-17645592-G-C. GRCh37 (hg19) VCF-style: chr11-17667139-G-C.
Other names: c.8526G>C, p.Lys2842Asn (NM_001277269.2); c.[8526G>C] (NM_001277269.2); short protein forms K2842N, K2830N.
Identifiers: ClinVar variation 226921 (VCV000226921.22), dbSNP rs61997203, ClinGen allele CA5906303.
Genomic context (GRCh38, chr11:17,645,592, plus strand): 5'-GCCACAGCTGCCTCATCCCCCTGTCCCCCCAGGTAAGGAGGATGGGCGCTCCTGCAAGAA[G>C]GTGACCATCCGCATGACCATCCGCAAGAATGAATGCAGGAGCAGCACCCCTGTGCGTGGT-3'
Protein context (NP_001278992.1, residues 2820-2840): TCKEDGRSCK[Lys2830Asn]VTIRMTIRKN